The following is an entry in ClinVar:

NM_017780.4(CHD7):c.2831G>A (p.Arg944His)

Gene: CHD7 (chromodomain helicase DNA binding protein 7; plus strand). Cytogenetic location: 8q12.2.
Variant type: single nucleotide variant.
Coding change: c.2831G>A on transcript NM_017780.4 (MANE Select); coding-DNA position 2831, G replaced by A.
Protein change: p.Arg944His; replaces arginine 944 with histidine.
Molecular consequence: missense variant. On other transcripts: intron variant (1).
Genome position (GRCh38, 1-based): chr8:60,821,923, G>A. VCF-style: chr8-60821923-G-A. GRCh37 (hg19) VCF-style: chr8-61734482-G-A.
Other names: c.2831G>A (LRG_176t1); c.1717-40306G>A (NM_001316690.1); short protein forms R944H.
Identifiers: ClinVar variation 241190 (VCV000241190.48), dbSNP rs117506164, ClinGen allele CA4759825.

ClinVar aggregate classification (germline): Benign/Likely benign. Review status: criteria provided, multiple submitters, no conflicts (2 of 4 stars). 10 submissions from 10 submitters: Benign (5); Likely benign (4). 1 of the submissions does not count toward it. Last evaluated 2026-01-22.

Conditions:
CHD7-related disorder. Also called: CHD7-related condition.
Inborn genetic diseases. Identifiers: MedGen C0950123, MeSH D030342.
Hypogonadotropic hypogonadism 5 with or without anosmia (KAL5). Also called: HYPOGONADOTROPIC HYPOGONADISM 5 WITH ANOSMIA; HYPOGONADOTROPHIC HYPOGONADISM 5 WITHOUT ANOSMIA; CHD7-Related GnRH Deficiency (Kallmann Syndrome 5). Identifiers: Orphanet 478, MedGen C3552553, MONDO:0012880, OMIM 612370. Disease mechanism: loss of function.
CHARGE syndrome (CHARGE). Also called: Coloboma, heart anomaly, choanal atresia, retardation, genital and ear anomalies; CHARGE association; Hall-Hittner syndrome; CHARGE ASSOCIATION--COLOBOMA, HEART ANOMALY, CHOANAL ATRESIA, RETARDATION, GENITAL AND EAR ANOMALIES; Hittner Hirsch Kreh syndrome. Identifiers: Orphanet 138, MedGen C0265354, MONDO:0008965.

Allele frequency attached by ClinVar (database versions not stated): ESP Exome Variant Server 0.00017; gnomAD 0.00030 and 0.00032; TOPMed 0.00043; gnomAD exomes 0.00061; ExAC 0.00075; 1000 Genomes Project 0.00080; 1000 Genomes Project 30x 0.00094.
gnomAD v4.1: 432 of 1,613,208 alleles (0.027%); highest among the groups gnomAD compares: East Asian, 0.69%; 3 homozygotes.

Submissions (10):

Labcorp Genetics (formerly Invitae), Labcorp
Classification: Benign for CHARGE syndrome. Last evaluated: 2026-01-22. Review status: criteria provided, single submitter. Criteria: Invitae Variant Classification Sherloc (09022015). Collection method: clinical testing. Allele origin: germline.

CeGaT Center for Human Genetics Tuebingen
Classification: Likely benign. Last evaluated: 2025-05-01. Review status: criteria provided, single submitter. Criteria: CeGaT Center For Human Genetics Tuebingen Variant Classification Criteria Version 2. Collection method: clinical testing. Allele origin: germline. Affected: yes. Observed: 2 variant alleles.
Comment: CHD7: PM5, BS1, BS2

Blueprint Genetics
Classification: Likely benign. Last evaluated: 2024-11-27. Review status: criteria provided, single submitter. Criteria: ACMG Guidelines, 2015. Collection method: clinical testing. Allele origin: germline.

Athena Diagnostics
Classification: Benign. Last evaluated: 2024-06-27. Review status: criteria provided, single submitter. Criteria: Athena Diagnostics Criteria. Collection method: clinical testing. Allele origin: unknown.

GeneDx
Classification: Benign. Last evaluated: 2019-07-12. Review status: criteria provided, single submitter. Criteria: GeneDx Variant Classification Process June 2021. Collection method: clinical testing. Allele origin: germline. Affected: yes.
Comment: This variant is associated with the following publications: (PMID: 22539353)

Centre for Mendelian Genomics, University Medical Centre Ljubljana
Classification: Benign for CHD7-related CHARGE syndrome. Last evaluated: 2018-09-27. Review status: criteria provided, single submitter. Criteria: ACMG Guidelines, 2015. Collection method: clinical testing. Allele origin: unknown. Affected: yes.
Comment: This variant was classified as: Benign. The following ACMG criteria were applied in classifying this variant: BS1,BS2.

Ambry Genetics
Classification: Likely benign for Inborn genetic diseases. Last evaluated: 2018-07-19. Review status: criteria provided, single submitter. Criteria: Ambry Variant Classification Scheme 2023. Collection method: clinical testing. Allele origin: germline.

Illumina Laboratory Services, Illumina
Classification: Likely benign for Kallmann Syndrome 5. Last evaluated: 2017-04-27. Review status: criteria provided, single submitter. Criteria: ICSL Variant Classification Criteria 13 December 2019. Collection method: clinical testing. Allele origin: germline.
Comment: This variant was observed as part of a predisposition screen in an ostensibly healthy population. A literature search was performed for the gene, cDNA change, and amino acid change (where applicable). Publications were found based on this search. The evidence from the literature, in combination with allele frequency data from public databases where available, was sufficient to determine this variant is unlikely to cause disease. Therefore, this variant is classified as likely benign.

Genetic Services Laboratory, University of Chicago
Classification: Benign. Last evaluated: 2016-10-28. Review status: criteria provided, single submitter. Criteria: ACMG Guidelines, 2015. Collection method: clinical testing. Allele origin: germline. Affected: no.

PreventionGenetics, part of Exact Sciences
Classification: Benign for CHD7-related condition. Last evaluated: 2022-02-01. Review status: no assertion criteria provided. Collection method: clinical testing. Allele origin: germline. Not counted in ClinVar's aggregate classification.
Comment: This variant is classified as benign based on ACMG/AMP sequence variant interpretation guidelines (Richards et al. 2015 PMID: 25741868, with internal and published modifications).

Literature cited by the submitters: PubMed 35047002 (cited by Athena Diagnostics); PubMed 32851286 (cited by Athena Diagnostics); PubMed 31628846 (cited by Athena Diagnostics); PubMed 21158681 (cited by Athena Diagnostics); PubMed 22539353 (cited by Ambry Genetics and Illumina Laboratory Services, Illumina).